The following is an entry in ClinVar:

NM_001127222.2(CACNA1A):c.4445A>T (p.Tyr1482Phe)

Gene: CACNA1A (calcium voltage-gated channel subunit alpha1 A; minus strand). Cytogenetic location: 19p13.13.
Variant type: single nucleotide variant.
Coding change: c.4445A>T on transcript NM_001127222.2 (MANE Select); coding-DNA position 4445, A replaced by T.
Protein change: p.Tyr1482Phe; replaces tyrosine 1482 with phenylalanine.
Molecular consequence: missense variant.
Genome position (GRCh38, 1-based): chr19:13,257,495, T>A on the plus strand (A>T on the coding strand, the complement: CACNA1A is on the minus strand). VCF-style: chr19-13257495-T-A. GRCh37 (hg19) VCF-style: chr19-13368309-T-A.
Other names: c.4457A>T, p.Tyr1486Phe (NM_000068.4, NM_023035.3); c.4448A>T, p.Tyr1483Phe (NM_001127221.2, NM_001174080.2); short protein forms Y1482F, Y1483F, Y1486F.
Identifiers: ClinVar variation 4086633 (VCV004086633.1).

ClinVar aggregate classification (germline): Uncertain significance (1 of 4 stars; one submission).

Submission:

GeneDx
Classification: Uncertain significance. Last evaluated: 2025-03-18. Review status: criteria provided, single submitter. Criteria: GeneDx Variant Classification Process June 2021. Collection method: clinical testing. Allele origin: germline. Affected: yes.
Comment: Not observed at significant frequency in large population cohorts (gnomAD); In silico analysis supports that this missense variant has a deleterious effect on protein structure/function; Has not been previously published as pathogenic or benign to our knowledge